The following is an entry in ClinVar:

ClinVar aggregate classification (germline): Pathogenic. Review status: criteria provided, multiple submitters, no conflicts (2 of 4 stars). 8 submissions from 8 submitters: Pathogenic (7). 1 of the submissions does not count toward it. Last evaluated 2026-08-18.

Conditions:
Hereditary cancer-predisposing syndrome. Also called: Neoplastic Syndromes, Hereditary; Hereditary neoplastic syndrome; Hereditary Cancer Syndrome; Tumor predisposition. Identifiers: Orphanet 140162, MedGen C0027672, MeSH D009386, MONDO:0015356.
Tuberous sclerosis syndrome (TSC). Also called: Tuberous Sclerosis Complex; Tuberous sclerosis. Identifiers: Orphanet 805, MedGen C0041341, MONDO:0001734.
Tuberous sclerosis 1 (TSC1). Identifiers: Orphanet 805, MedGen C1854465, MONDO:0008612, OMIM 191100.

Submissions (8):

Clinical Genetics Laboratory, Skane University Hospital Lund
Classification: Pathogenic for Tuberous sclerosis 1. Last evaluated: 2026-08-18. Review status: criteria provided, single submitter. Criteria: ACMG Guidelines, 2015. Collection method: clinical testing. Allele origin: germline. Affected: yes.
Comment: ACMG criteria used: PVS1, PS4, PM2

Institute for Genomic Medicine (IGM) Clinical Laboratory, Nationwide Children's Hospital
Classification: Pathogenic for Tuberous sclerosis 1. Last evaluated: 2024-09-04. Review status: criteria provided, single submitter. Criteria: ACMG Guidelines, 2015. Collection method: clinical testing. Allele origin: germline.
Comment: This variant is predicted to result in loss of function through nonsense-mediated decay of the encoded transcript or premature truncation of the encoded protein in a gene in which loss of function is a known mechanism of disease (ACMG/AMP: PVS1; PMIDs:10227394, 10205261). This variant has been reported at an elevated frequency in affected individuals/in multiple affected individuals in the literature (ACMG/AMP: PS4_Moderate; PMIDs:10533069, 26493680, 33528079, 10330349). This variant is absent from or present at an exceedingly low frequency in gnomAD, a large-scale control population database (ACMG/AMP: PM2).

Ambry Genetics
Classification: Pathogenic for Hereditary cancer-predisposing syndrome. Last evaluated: 2024-05-29. Review status: criteria provided, single submitter. Criteria: Ambry Variant Classification Scheme 2023. Collection method: clinical testing. Allele origin: germline.
Comment: The c.1257delC pathogenic mutation, located in coding exon 10 of the TSC1 gene, results from a deletion of one nucleotide at nucleotide position 1257, causing a translational frameshift with a predicted alternate stop codon (p.R420Gfs*20). This variant has been observed in multiple individuals with features associated with tuberous sclerosis complex (TSC) (B&eacute;nit P et al. Hum Mutat, 1999;14:428-32; Santos L et al. Pathol Res Pract, 2015 Dec;211:1025-9; Atli EI et al. Intern Med J, 2022 Jul;52:1174-1184). This variant is considered to be rare based on population cohorts in the Genome Aggregation Database (gnomAD). This alteration is expected to result in loss of function by premature protein truncation or nonsense-mediated mRNA decay. As such, this alteration is interpreted as a disease-causing mutation.

Labcorp Genetics (formerly Invitae), Labcorp
Classification: Pathogenic for Tuberous sclerosis 1. Last evaluated: 2024-04-02. Review status: criteria provided, single submitter. Criteria: Invitae Variant Classification Sherloc (09022015). Collection method: clinical testing. Allele origin: germline.
Comment: This sequence change creates a premature translational stop signal (p.Arg420Glyfs*20) in the TSC1 gene. It is expected to result in an absent or disrupted protein product. Loss-of-function variants in TSC1 are known to be pathogenic (PMID: 10227394, 17304050). This variant is not present in population databases (gnomAD no frequency). This premature translational stop signal has been observed in individual(s) with clinical features of tuberous sclerosis complex (PMID: 10533069, 26493680). ClinVar contains an entry for this variant (Variation ID: 48753). For these reasons, this variant has been classified as Pathogenic.

Women's Health and Genetics/Laboratory Corporation of America, LabCorp
Classification: Pathogenic for Tuberous sclerosis syndrome. Last evaluated: 2023-10-23. Review status: criteria provided, single submitter. Criteria: LabCorp Variant Classification Summary - May 2015. Collection method: clinical testing. Allele origin: germline.
Comment: Variant summary: TSC1 c.1257delC (p.Arg420GlyfsX20) results in a premature termination codon, predicted to cause absence of the protein due to nonsense mediated decay, which is a commonly known mechanism for disease. The variant was absent in 251098 control chromosomes. c.1257delC has been reported in the literature in at-least four individuals affected with Tuberous Sclerosis Complex (examples, Santos_2015, Verhoef_1999). These data indicate that the variant is very likely to be associated with disease. To our knowledge, no experimental evidence demonstrating an impact on protein function has been reported. The following publications have been ascertained in the context of this evaluation (PMID: 26493680, 10330349). Two submitters have cited clinical-significance assessments for this variant to ClinVar after 2014. Both submitters classified the variant as pathogenic. Based on the evidence outlined above, the variant was classified as pathogenic.

Genome-Nilou Lab
Classification: Pathogenic for Tuberous sclerosis 1. Last evaluated: 2021-11-07. Review status: criteria provided, single submitter. Criteria: ACMG Guidelines, 2015. Collection method: clinical testing. Allele origin: germline. Affected: no.

Athena Diagnostics
Classification: Pathogenic for Tuberous sclerosis 1. Last evaluated: 2014-09-30. Review status: criteria provided, single submitter. Criteria: Athena Diagnostics Criteria. Collection method: clinical testing. Allele origin: germline. Inheritance: Autosomal dominant inheritance.

Tuberous sclerosis database (TSC1)
No classification provided. Condition: TSC. Review status: no classification provided. Criteria: Tuberous Sclerosis Database Assertion Criteria 2015. Collection method: curation. Allele origin: germline. Affected: yes. Not counted in ClinVar's aggregate classification.

Literature cited by the submitters: PubMed 10227394 (cited by 3 submitters); PubMed 10205261 (cited by Institute for Genomic Medicine (IGM) Clinical Laboratory, Nationwide Children's Hospital); PubMed 10533069 (cited by 3 submitters); PubMed 26493680 (cited by 4 submitters); PubMed 33528079 (cited by Institute for Genomic Medicine (IGM) Clinical Laboratory, Nationwide Children's Hospital and Ambry Genetics); PubMed 10330349 (cited by Institute for Genomic Medicine (IGM) Clinical Laboratory, Nationwide Children's Hospital and Women's Health and Genetics/Laboratory Corporation of America, LabCorp); PubMed 17304050 (cited by Labcorp Genetics (formerly Invitae), Labcorp).

NM_000368.5(TSC1):c.1257del (p.Arg420fs)

Gene: TSC1 (TSC complex subunit 1; minus strand). Cytogenetic location: 9q34.13.
Variant type: Deletion.
Coding change: c.1257del on transcript NM_000368.5 (MANE Select); coding-DNA position 1257, one base deleted (C; older notation c.1257delC).
Protein change: p.Arg420fs; shifts the reading frame from arginine 420.
Molecular consequence: frameshift variant.
Genome position (GRCh38, 1-based): chr9:132,910,577, G deleted on the plus strand (C on the coding strand, the reverse complement: TSC1 is on the minus strand); the first of 6 consecutive G bases (chr9:132,910,577-132,910,582); deleting any one gives the same sequence. VCF-style (leftmost placement, unchanged base first): chr9-132910576-TG-T. GRCh37 (hg19) VCF-style: chr9-135785963-TG-T.
Other names: c.1257delC (NM_000368.4, NM_000368.5); c.1254del, p.Arg419fs (NM_001162426.2); c.1104del, p.Arg369fs (NM_001162427.2); c.894del, p.Arg299fs (NM_001362177.2); short protein forms R369fs, R420fs, R299fs, R419fs.
Identifiers: ClinVar variation 48753 (VCV000048753.13), dbSNP rs118203506, ClinGen allele CA004544.